The following is an entry in ClinVar:

NC_000007.14:g.(?_96191099)_(96193193_?)del

Gene: SLC25A13 (solute carrier family 25 member 13; minus strand). Cytogenetic location: 7q21.3.
Variant type: Deletion.
Identifiers: ClinVar variation 831578 (VCV000831578.5).

ClinVar aggregate classification (germline): Pathogenic (1 of 4 stars; one submission).

Conditions:
Citrin deficiency. Identifiers: Orphanet 247582, MedGen C1997910, MONDO:0016602.

Submission:

Labcorp Genetics (formerly Invitae), Labcorp
Classification: Pathogenic for Citrin deficiency. Last evaluated: 2019-12-22. Review status: criteria provided, single submitter. Criteria: Invitae Variant Classification Sherloc (09022015). Collection method: clinical testing. Allele origin: germline.
Comment: For these reasons, this variant has been classified as Pathogenic. Loss-of-function variants in SLC25A13 are known to be pathogenic (PMID: 10369257, 14680984, 27405544). This variant has not been reported in the literature in individuals with SLC25A13-related conditions. This variant is an out-of-frame deletion of the genomic region encompassing exon(s) 6-7 of the SLC25A13 gene. This is expected to create a premature translational stop signal and result in an absent or disrupted protein product.

Literature cited by the submitters: PubMed 10369257; PubMed 14680984; PubMed 27405544.